The following is an entry in ClinVar:

ClinVar aggregate classification (germline): Uncertain significance (1 of 4 stars; one submission).

Conditions:
Frontometaphyseal dysplasia (FMD1). Identifiers: Orphanet 1826, MedGen C0265293, MONDO:0015942.
Oto-palato-digital syndrome, type II (OPD2). Also called: FACIOPALATOOSSEOUS SYNDROME; Otopalatodigital Syndrome, Type II; Otopalatodigital Syndrome Type 2 (FLNA-OPD2); OPD II SYNDROME. Identifiers: Orphanet 669, Orphanet 90652, MedGen C1844696, MONDO:0010571, OMIM 304120.
Heterotopia, periventricular, X-linked dominant (PVNH1). Also called: PERIVENTRICULAR NODULAR HETEROTOPIA 4; HETEROTOPIA, PERIVENTRICULAR, 1; PERIVENTRICULAR NODULAR HETEROTOPIA 1; X-linked periventricular heterotopia. Identifiers: Orphanet 2149, Orphanet 82004, MedGen C1848213, MONDO:0010233, OMIM 300049.
Melnick-Needles syndrome (MNS). Also called: Melnick-Needles Syndrome (FLNA-MNS); MELNICK-NEEDLES OSTEODYSPLASTY; OSTEODYSPLASTY OF MELNICK AND NEEDLES. Identifiers: Orphanet 2484, MedGen C0025237, MONDO:0010650, OMIM 309350.

Submission:

Labcorp Genetics (formerly Invitae), Labcorp
Classification: Uncertain significance for Oto-palato-digital syndrome, type II; Heterotopia, periventricular, X-linked dominant; Frontometaphyseal dysplasia; Melnick-Needles syndrome. Last evaluated: 2022-11-15. Review status: criteria provided, single submitter. Criteria: Invitae Variant Classification Sherloc (09022015). Collection method: clinical testing. Allele origin: germline.
Comment: In summary, the available evidence is currently insufficient to determine the role of this variant in disease. Therefore, it has been classified as a Variant of Uncertain Significance. Variants that disrupt the consensus splice site are a relatively common cause of aberrant splicing (PMID: 17576681, 9536098). Algorithms developed to predict the effect of sequence changes on RNA splicing suggest that this variant may create or strengthen a splice site. ClinVar contains an entry for this variant (Variation ID: 663312). This variant has not been reported in the literature in individuals affected with FLNA-related conditions. This variant is not present in population databases (gnomAD no frequency). This sequence change falls in intron 15 of the FLNA gene. It does not directly change the encoded amino acid sequence of the FLNA protein. It affects a nucleotide within the consensus splice site.

Literature cited by the submitters: PubMed 17576681; PubMed 9536098.

NM_001110556.2(FLNA):c.2281-3C>A

Gene: FLNA (filamin A; minus strand). Cytogenetic location: Xq28.
Variant type: single nucleotide variant.
Coding change: c.2281-3C>A on transcript NM_001110556.2 (MANE Select); 3 bases into the intron before coding-DNA position 2281, C replaced by A.
Molecular consequence: intron variant.
Genome position (GRCh38, 1-based): chrX:154,362,787, G>T on the plus strand (C>A on the coding strand, the complement: FLNA is on the minus strand). VCF-style: chrX-154362787-G-T. GRCh37 (hg19) VCF-style: chrX-153591155-G-T.
Other names: c.2281-3C>A (NM_001456.4).
Identifiers: ClinVar variation 663312 (VCV000663312.11), dbSNP rs1603361933, ClinGen allele CA915952395.